The following is an entry in ClinVar:

ClinVar aggregate classification (germline): Conflicting classifications of pathogenicity. Review status: criteria provided, conflicting classifications (1 of 4 stars). 2 submissions from 2 submitters: Likely pathogenic (1); Uncertain significance (1). Last evaluated 2025-09-05.

Conditions:
Hereditary cancer-predisposing syndrome. Also called: Hereditary Cancer Syndrome; Neoplastic Syndromes, Hereditary; Tumor predisposition; Hereditary neoplastic syndrome. Identifiers: Orphanet 140162, MedGen C0027672, MeSH D009386, MONDO:0015356.
Fanconi anemia complementation group O. Also called: RAD51C-Related Fanconi Anemia. Identifiers: Orphanet 84, MedGen C3150653, MONDO:0013248, OMIM 613390.

Allele frequency attached by ClinVar (database versions not stated): gnomAD exomes below 0.00001.
gnomAD v4.1: 1 of 1,611,828 alleles (0.000062%); highest among the groups gnomAD compares: Non-Finnish European, 0.000085%; no homozygotes.

Submissions (2):

Ambry Genetics
Classification: Likely pathogenic for Hereditary cancer-predisposing syndrome. Last evaluated: 2025-09-05. Review status: criteria provided, single submitter. Criteria: Ambry Variant Classification Scheme 2023. Collection method: clinical testing. Allele origin: germline.
Comment: The p.G302V variant (also known as c.905G>T), located in coding exon 7 of the RAD51C gene, results from a G to T substitution at nucleotide position 905. This variant impacts the first base pair of coding exon 7. The glycine at codon 302 is replaced by valine, an amino acid with dissimilar properties. In multiple homology-directed DNA repair (HDR) assays, this alteration showed a functionally abnormal read-out (Hu C. et al Cancer Res 2023 Aug;83(15):2557-2571; Olvera-Le&oacute;n R et al Cell 2024 Oct;187(20):5719-5734.e19). This amino acid position is highly conserved in available vertebrate species. This variant is considered to be rare based on population cohorts in the Genome Aggregation Database (gnomAD). In addition, this alteration is predicted to be deleterious by in silico analysis. Based on the majority of available evidence to date, this variant is likely to be pathogenic.

Labcorp Genetics (formerly Invitae), Labcorp
Classification: Uncertain significance for Fanconi anemia complementation group O. Last evaluated: 2023-09-06. Review status: criteria provided, single submitter. Criteria: Invitae Variant Classification Sherloc (09022015). Collection method: clinical testing. Allele origin: germline.
Comment: This sequence change replaces glycine, which is neutral and non-polar, with valine, which is neutral and non-polar, at codon 302 of the RAD51C protein (p.Gly302Val). This variant is not present in population databases (gnomAD no frequency). This variant has not been reported in the literature in individuals affected with RAD51C-related conditions. ClinVar contains an entry for this variant (Variation ID: 186893). An algorithm developed to predict the effect of missense changes on protein structure and function (PolyPhen-2) suggests that this variant is likely to be disruptive. Algorithms developed to predict the effect of sequence changes on RNA splicing suggest that this variant may disrupt the consensus splice site. In summary, the available evidence is currently insufficient to determine the role of this variant in disease. Therefore, it has been classified as a Variant of Uncertain Significance.

Literature cited by the submitters: PubMed 29858219 (cited by Ambry Genetics); PubMed 37253112 (cited by Ambry Genetics).

NM_058216.3(RAD51C):c.905G>T (p.Gly302Val)

Gene: RAD51C (RAD51 paralog C; plus strand). Cytogenetic location: 17q22.
Variant type: single nucleotide variant.
Coding change: c.905G>T on transcript NM_058216.3 (MANE Select); coding-DNA position 905, G replaced by T.
Protein change: p.Gly302Val; replaces glycine 302 with valine.
Molecular consequence: missense variant. On other transcripts: non-coding transcript variant (1).
Genome position (GRCh38, 1-based): chr17:58,724,040, G>T. VCF-style: chr17-58724040-G-T. GRCh37 (hg19) VCF-style: chr17-56801401-G-T.
Other names: short protein forms G302V.
Identifiers: ClinVar variation 186893 (VCV000186893.17), dbSNP rs786203304, ClinGen allele CA196163.